The following is an entry in ClinVar:

ClinVar aggregate classification (germline): Pathogenic/Likely pathogenic. Review status: criteria provided, multiple submitters, no conflicts (2 of 4 stars). 5 submissions from 5 submitters: Pathogenic (3); Likely pathogenic (2). Last evaluated 2024-06-21.

Conditions:
Inborn genetic diseases. Identifiers: MedGen C0950123, MeSH D030342.
Retinitis pigmentosa 39 (RP39). Identifiers: Orphanet 791, MedGen C3151138, MONDO:0013436, OMIM 613809.
Usher syndrome type 2A. Also called: RETINAL DISEASE IN USHER SYNDROME TYPE IIA, MODIFIER OF; USHER SYNDROME, TYPE IIA. Identifiers: Orphanet 231178, Orphanet 886, MedGen C1848634, MONDO:0010169, OMIM 276901.

Submissions (5):

Fulgent Genetics
Classification: Likely pathogenic for Usher syndrome type 2A; Retinitis pigmentosa 39. Last evaluated: 2024-06-21. Review status: criteria provided, single submitter. Criteria: ACMG Guidelines, 2015. Collection method: clinical testing. Allele origin: germline.

Genome-Nilou Lab
Classification: Pathogenic for Retinitis pigmentosa 39. Last evaluated: 2023-11-04. Review status: criteria provided, single submitter. Criteria: ACMG Guidelines, 2015. Collection method: clinical testing. Allele origin: germline. Affected: no.

Baylor Genetics
Classification: Likely pathogenic for Retinitis pigmentosa 39. Last evaluated: 2023-01-19. Review status: criteria provided, single submitter. Criteria: ACMG Guidelines, 2015. Collection method: clinical testing. Allele origin: unknown.

Labcorp Genetics (formerly Invitae), Labcorp
Classification: Pathogenic. Last evaluated: 2019-01-08. Review status: criteria provided, single submitter. Criteria: Invitae Variant Classification Sherloc (09022015). Collection method: clinical testing. Allele origin: germline.
Comment: For these reasons, this variant has been classified as Pathogenic. Loss-of-function variants in USH2A are known to be pathogenic (PMID: 10729113, 10909849, 20507924, 25649381). This variant has not been reported in the literature in individuals with USH2A-related conditions. ClinVar contains an entry for this variant (Variation ID: 521389). This variant is not present in population databases (ExAC no frequency). This sequence change creates a premature translational stop signal (p.Gln4900*) in the USH2A gene. It is expected to result in an absent or disrupted protein product.

Ambry Genetics
Classification: Pathogenic for Inborn genetic diseases. Last evaluated: 2016-12-02. Review status: criteria provided, single submitter. Criteria: Ambry exome assertion method (8-5-2015). Collection method: clinical testing. Allele origin: germline. Affected: yes. Observed: 1 variant allele.

Literature cited by the submitters: PubMed 10729113 (cited by Labcorp Genetics (formerly Invitae), Labcorp); PubMed 10909849 (cited by Labcorp Genetics (formerly Invitae), Labcorp); PubMed 20507924 (cited by Labcorp Genetics (formerly Invitae), Labcorp); PubMed 25649381 (cited by Labcorp Genetics (formerly Invitae), Labcorp).

NM_206933.4(USH2A):c.14698C>T (p.Gln4900Ter)

Gene: USH2A (usherin; minus strand). Cytogenetic location: 1q41.
Variant type: single nucleotide variant.
Coding change: c.14698C>T on transcript NM_206933.4 (MANE Select); coding-DNA position 14698, C replaced by T.
Protein change: p.Gln4900Ter; replaces glutamine 4900 with a stop codon.
Molecular consequence: nonsense.
Genome position (GRCh38, 1-based): chr1:215,647,615, G>A on the plus strand (C>T on the coding strand, the complement: USH2A is on the minus strand). VCF-style: chr1-215647615-G-A. GRCh37 (hg19) VCF-style: chr1-215820957-G-A.
Other names: short protein forms Q4900*.
Identifiers: ClinVar variation 521389 (VCV000521389.14), dbSNP rs1553250072, ClinGen allele CA344831449.